The following is an entry in ClinVar:

NM_000243.3(MEFV):c.166C>G (p.Leu56Val)

Gene: MEFV (MEFV innate immunity regulator, pyrin; minus strand). Cytogenetic location: 16p13.3.
Variant type: single nucleotide variant.
Coding change: c.166C>G on transcript NM_000243.3 (MANE Select); coding-DNA position 166, C replaced by G.
Protein change: p.Leu56Val; replaces leucine 56 with valine.
Molecular consequence: missense variant.
Genome position (GRCh38, 1-based): chr16:3,256,422, G>C on the plus strand (C>G on the coding strand, the complement: MEFV is on the minus strand). VCF-style: chr16-3256422-G-C. GRCh37 (hg19) VCF-style: chr16-3306422-G-C.
Other names: c.166C>G, p.Leu56Val (NM_001198536.2); short protein forms L56V.
Identifiers: ClinVar variation 3580432 (VCV003580432.2).

ClinVar aggregate classification (germline): Uncertain significance. Review status: criteria provided, multiple submitters, no conflicts (2 of 4 stars). 2 submissions from 2 submitters: Uncertain significance (2). Last evaluated 2026-08-29.

Conditions:
Acute febrile neutrophilic dermatosis (AFND). Also called: Sweet Syndrome; Gomm Button disease. Identifiers: Orphanet 3243, MedGen C0085077, MONDO:0011959, OMIM 608068.
Familial Mediterranean fever, autosomal dominant. Also called: Dominant Familial Mediterranean Fever; FMF, AUTOSOMAL DOMINANT. Identifiers: Orphanet 342, MedGen C1851347, MONDO:0007601, OMIM 134610.
Familial Mediterranean fever (FMF). Also called: POLYSEROSITIS, FAMILIAL PAROXYSMAL; POLYSEROSITIS, RECURRENT; Periodic peritonitis; Benign paroxysmal peritonitis. Identifiers: Orphanet 342, MedGen C0031069, MONDO:0018088, OMIM 249100. Disease mechanism: gain of function.
Inborn genetic diseases. Identifiers: MedGen C0950123, MeSH D030342.

Submissions (2):

Ambry Genetics
Classification: Uncertain significance for Inborn genetic diseases. Last evaluated: 2026-08-29. Review status: criteria provided, single submitter. Criteria: Ambry Variant Classification Scheme 2023. Collection method: clinical testing. Allele origin: germline.
Comment: The p.L56V variant (also known as c.166C>G), located in coding exon 1 of the MEFV gene, results from a C to G substitution at nucleotide position 166. The leucine at codon 56 is replaced by valine, an amino acid with highly similar properties. This amino acid position is conserved. In addition, in silico predictors for this gene do not accurately predict pathogenicity. Based on the available evidence, the clinical significance of this variant remains unclear.

Fulgent Genetics
Classification: Uncertain significance for Familial Mediterranean fever, autosomal dominant; Familial Mediterranean fever; Acute febrile neutrophilic dermatosis. Last evaluated: 2024-04-20. Review status: criteria provided, single submitter. Criteria: ACMG Guidelines, 2015. Collection method: clinical testing. Allele origin: germline.